The following is an entry in ClinVar:

ClinVar aggregate classification (germline): Uncertain significance (1 of 4 stars; one submission).

Conditions:
Distal hereditary motor neuropathy type 2. Identifiers: Orphanet 139525, MedGen C3711384, MeSH C580044, MONDO:0015352.

Allele frequency attached by ClinVar (database versions not stated): gnomAD exomes below 0.00001; gnomAD 0.00001; TOPMed 0.00003.
gnomAD v4.1: 5 of 1,613,634 alleles (0.00031%); highest among the groups gnomAD compares: African/African-American, 0.0067%; no homozygotes.

Submission:

Labcorp Genetics (formerly Invitae), Labcorp
Classification: Uncertain significance for Distal hereditary motor neuropathy type 2. Last evaluated: 2025-08-03. Review status: criteria provided, single submitter. Criteria: Invitae Variant Classification Sherloc (09022015). Collection method: clinical testing. Allele origin: germline.
Comment: This sequence change replaces aspartic acid, which is acidic and polar, with histidine, which is basic and polar, at codon 605 of the FBXO38 protein (p.Asp605His). This variant is present in population databases (no rsID available, gnomAD 0.01%). This variant has not been reported in the literature in individuals affected with FBXO38-related conditions. ClinVar contains an entry for this variant (Variation ID: 2846483). Invitae Evidence Modeling of protein sequence and biophysical properties (such as structural, functional, and spatial information, amino acid conservation, physicochemical variation, residue mobility, and thermodynamic stability) indicates that this missense variant is not expected to disrupt FBXO38 protein function with a negative predictive value of 80%. In summary, the available evidence is currently insufficient to determine the role of this variant in disease. Therefore, it has been classified as a Variant of Uncertain Significance.

NM_205836.3(FBXO38):c.1813G>C (p.Asp605His)

Gene: FBXO38 (F-box protein 38; plus strand). Cytogenetic location: 5q32.
Variant type: single nucleotide variant.
Coding change: c.1813G>C on transcript NM_205836.3 (MANE Select); coding-DNA position 1813, G replaced by C.
Protein change: p.Asp605His; replaces aspartic acid 605 with histidine.
Molecular consequence: missense variant.
Genome position (GRCh38, 1-based): chr5:148,425,596, G>C. VCF-style: chr5-148425596-G-C. GRCh37 (hg19) VCF-style: chr5-147805159-G-C.
Other names: c.1813G>C, p.Asp605His (NM_001271723.2, NM_030793.5); short protein forms D605H.
Identifiers: ClinVar variation 2846483 (VCV002846483.3), dbSNP rs1234054639, ClinGen allele CA361655553.